The following is an entry in ClinVar:

NM_152703.5(SAMD9L):c.4639C>T (p.Pro1547Ser)

Gene: SAMD9L (sterile alpha motif domain containing 9 like; minus strand). Cytogenetic location: 7q21.2.
Variant type: single nucleotide variant.
Coding change: c.4639C>T on transcript NM_152703.5 (MANE Select); coding-DNA position 4639, C replaced by T.
Protein change: p.Pro1547Ser; replaces proline 1547 with serine.
Molecular consequence: missense variant.
Genome position (GRCh38, 1-based): chr7:93,131,333, G>A on the plus strand (C>T on the coding strand, the complement: SAMD9L is on the minus strand). VCF-style: chr7-93131333-G-A. GRCh37 (hg19) VCF-style: chr7-92760646-G-A.
Other names: c.4639C>T, p.Pro1547Ser (NM_001303496.3, NM_001303497.3, NM_001303498.3 and 5 more transcripts); short protein forms P1547S.
Identifiers: ClinVar variation 4809642 (VCV004809642.1).

ClinVar aggregate classification (germline): Uncertain significance (1 of 4 stars; one submission).

gnomAD v4.1: 1 of 1,613,298 alleles (0.000062%); highest among the groups gnomAD compares: Non-Finnish European, 0.000085%; no homozygotes.

Submission:

Labcorp Genetics (formerly Invitae), Labcorp
Classification: Uncertain significance. Last evaluated: 2025-10-15. Review status: criteria provided, single submitter. Criteria: Invitae Variant Classification Sherloc (09022015). Collection method: clinical testing. Allele origin: germline.
Comment: This sequence change replaces proline, which is neutral and non-polar, with serine, which is neutral and polar, at codon 1547 of the SAMD9L protein (p.Pro1547Ser). This variant is present in population databases (rs537748493, gnomAD 0.0009%). This variant has not been reported in the literature in individuals affected with SAMD9L-related conditions. Invitae Evidence Modeling of protein sequence and biophysical properties (such as structural, functional, and spatial information, amino acid conservation, physicochemical variation, residue mobility, and thermodynamic stability) indicates that this missense variant is not expected to disrupt SAMD9L protein function with a negative predictive value of 80%. In summary, the available evidence is currently insufficient to determine the role of this variant in disease. Therefore, it has been classified as a Variant of Uncertain Significance.